The following is an entry in ClinVar:

ClinVar aggregate classification (germline): Pathogenic. Review status: criteria provided, multiple submitters, no conflicts (2 of 4 stars). 2 submissions from 2 submitters: Pathogenic (2). Last evaluated 2024-03-15.

Conditions:
RARS-related disorders.

Allele frequency attached by ClinVar (database versions not stated): gnomAD 0.00001; TOPMed 0.00002.

Submissions (2):

Blueprint Genetics
Classification: Pathogenic for RARS-related disorders. Last evaluated: 2024-03-15. Review status: criteria provided, single submitter. Criteria: ACMG Guidelines, 2015. Collection method: clinical testing. Allele origin: germline. Affected: yes. Observed: 1 variant allele.

GeneDx
Classification: Pathogenic. Last evaluated: 2019-01-17. Review status: criteria provided, single submitter. Criteria: GeneDx Variant Classification (06012015). Collection method: clinical testing. Allele origin: germline. Affected: yes.
Comment: The c.2 T>A variant has not been published as a pathogenic variant, nor has it been reported as a benign variant to our knowledge. This variant alters the initiator Methionine codon, and the resultant protein would be described as p.Met1? using a question mark to signify that it is not known if the loss of Met1 means that all protein translation is completely prevented or if an abnormal protein is produced using an alternate Met. Additionally, another nucleotide substitution, c.1 A>G, that also affects the initiator Methionine codon has previously been reported in association with hypomyelinating leukodystrophy in an individual who was compound heterozygous for another variant in RARs (Wolf et al., 2014). Therefore we interpret c.2 T>A to be a pathogenic variant."

NM_002887.4(RARS1):c.2T>A (p.Met1Lys)

Gene: RARS1 (arginyl-tRNA synthetase 1; plus strand). Cytogenetic location: 5q34.
Variant type: single nucleotide variant.
Coding change: c.2T>A on transcript NM_002887.4 (MANE Select); coding-DNA position 2, T replaced by A.
Protein change: p.Met1Lys; changes the start codon (methionine 1).
Molecular consequence: missense variant, initiator codon variant.
Genome position (GRCh38, 1-based): chr5:168,486,500, T>A. VCF-style: chr5-168486500-T-A. GRCh37 (hg19) VCF-style: chr5-167913505-T-A.
Other names: short protein forms M1K.
Identifiers: ClinVar variation 488942 (VCV000488942.4), dbSNP rs769713780, ClinGen allele CA131928782.